The following is an entry in ClinVar:

NM_182914.3(SYNE2):c.14609C>G (p.Thr4870Arg)

Gene: SYNE2 (spectrin repeat containing nuclear envelope protein 2; plus strand). Cytogenetic location: 14q23.2.
Variant type: single nucleotide variant.
Coding change: c.14609C>G on transcript NM_182914.3 (MANE Select); coding-DNA position 14609, C replaced by G.
Protein change: p.Thr4870Arg; replaces threonine 4870 with arginine.
Molecular consequence: missense variant.
Genome position (GRCh38, 1-based): chr14:64,134,163, C>G. VCF-style: chr14-64134163-C-G. GRCh37 (hg19) VCF-style: chr14-64600881-C-G.
Other names: c.14609C>G, p.Thr4870Arg (NM_015180.6); short protein forms T4870R.
Identifiers: ClinVar variation 2826119 (VCV002826119.3), dbSNP rs1595748013, ClinGen allele CA389986377.

ClinVar aggregate classification (germline): Uncertain significance (1 of 4 stars; one submission).

Conditions:
Emery-Dreifuss muscular dystrophy 5, autosomal dominant (EDMD5). Also called: EMERY-DREIFUSS MUSCULAR DYSTROPHY 5. Identifiers: Orphanet 261, MedGen C2751805, MONDO:0013072, OMIM 612999.

Submission:

Labcorp Genetics (formerly Invitae), Labcorp
Classification: Uncertain significance for Emery-Dreifuss muscular dystrophy 5, autosomal dominant. Last evaluated: 2023-01-03. Review status: criteria provided, single submitter. Criteria: Invitae Variant Classification Sherloc (09022015). Collection method: clinical testing. Allele origin: germline.
Comment: In summary, the available evidence is currently insufficient to determine the role of this variant in disease. Therefore, it has been classified as a Variant of Uncertain Significance. Algorithms developed to predict the effect of missense changes on protein structure and function are either unavailable or do not agree on the potential impact of this missense change (SIFT: "Deleterious"; PolyPhen-2: "Probably Damaging"; Align-GVGD: "Class C0"). This variant has not been reported in the literature in individuals affected with SYNE2-related conditions. This variant is not present in population databases (gnomAD no frequency). This sequence change replaces threonine, which is neutral and polar, with arginine, which is basic and polar, at codon 4870 of the SYNE2 protein (p.Thr4870Arg).